The following is an entry in ClinVar:

NM_002076.4(GNS):c.386dup (p.Asn130fs)

Gene: GNS (glucosamine (N-acetyl)-6-sulfatase; minus strand). Cytogenetic location: 12q14.3.
Variant type: Duplication.
Coding change: c.386dup on transcript NM_002076.4 (MANE Select); coding-DNA position 386, one base duplicated (C; older notation c.386dupC).
Protein change: p.Asn130fs; shifts the reading frame from asparagine 130.
Molecular consequence: frameshift variant.
Genome position (GRCh38, 1-based): chr12:64,747,785, G duplicated on the plus strand (C on the coding strand, the reverse complement: GNS is on the minus strand); the first of 2 consecutive G bases (chr12:64,747,785-64,747,786); duplicating either gives the same sequence. VCF-style (leftmost placement, unchanged base first): chr12-64747784-T-TG. GRCh37 (hg19) VCF-style: chr12-65141564-T-TG.
Other names: short protein forms N130fs.
Identifiers: ClinVar variation 1354681 (VCV001354681.6), dbSNP rs2136249878, ClinGen allele CA2573148953.

ClinVar aggregate classification (germline): Pathogenic (1 of 4 stars; one submission).

Conditions:
Mucopolysaccharidosis, MPS-III-D (MPS3D). Also called: Mucopoly-saccharidosis type 3D; N-acetylglucosamine-6-sulfate sulfatase deficiency; MPS 3D; MPS IIID (Sanfilippo Syndrome Type D); MUCOPOLYSACCHARIDOSIS, TYPE IIID; N-ACETYLGLUCOSAMINE-6-SULFATASE DEFICIENCY. Identifiers: Orphanet 581, Orphanet 79272, MedGen C0086650, MONDO:0009658, OMIM 252940.

Submission:

Labcorp Genetics (formerly Invitae), Labcorp
Classification: Pathogenic for Mucopolysaccharidosis, MPS-III-D. Last evaluated: 2021-02-11. Review status: criteria provided, single submitter. Criteria: Invitae Variant Classification Sherloc (09022015). Collection method: clinical testing. Allele origin: germline.
Comment: For these reasons, this variant has been classified as Pathogenic. This variant has not been reported in the literature in individuals with GNS-related conditions. This variant is not present in population databases (ExAC no frequency). This sequence change creates a premature translational stop signal (p.Asn130Lysfs*24) in the GNS gene. It is expected to result in an absent or disrupted protein product. Loss-of-function variants in GNS are known to be pathogenic (PMID: 20232353).

Literature cited by the submitters: PubMed 20232353.